The following is an entry in ClinVar:

ClinVar aggregate classification (germline): Uncertain significance (1 of 4 stars; one submission).

Submission:

GeneDx
Classification: Uncertain significance. Last evaluated: 2025-01-13. Review status: criteria provided, single submitter. Criteria: GeneDx Variant Classification Process June 2021. Collection method: clinical testing. Allele origin: germline. Affected: yes.
Comment: Frameshift variant predicted to result in protein truncation or nonsense mediated decay in a gene or region of a gene for which loss of function is not a well-established mechanism of disease; Not observed at significant frequency in large population cohorts (gnomAD); Has not been previously published as pathogenic or benign to our knowledge

NM_001378964.1(CDON):c.580del (p.Tyr194fs)

Gene: CDON (cell adhesion associated, oncogene regulated; minus strand). Cytogenetic location: 11q24.2.
Variant type: Deletion.
Coding change: c.580del on transcript NM_001378964.1 (MANE Select); coding-DNA position 580, one base deleted (T; older notation c.580delT).
Protein change: p.Tyr194fs; shifts the reading frame from tyrosine 194.
Molecular consequence: frameshift variant.
Genome position (GRCh38, 1-based): chr11:126,018,390, A deleted on the plus strand (T on the coding strand, the reverse complement: CDON is on the minus strand); the first of 2 consecutive A bases (chr11:126,018,390-126,018,391); deleting either gives the same sequence. VCF-style (leftmost placement, unchanged base first): chr11-126018389-TA-T. GRCh37 (hg19) VCF-style: chr11-125888284-TA-T.
Other names: c.579delT, p.Tyr194Ilefs (NM_001243597.3, NM_016952.4, NM_016952.6); short protein forms Y194fs.
Identifiers: ClinVar variation 4070752 (VCV004070752.1).